The following is an entry in ClinVar:

ClinVar aggregate classification (germline): Uncertain significance. Review status: criteria provided, multiple submitters, no conflicts (2 of 4 stars). 2 submissions from 2 submitters: Uncertain significance (2). Last evaluated 2023-09-19.

Conditions:
Ataxia-telangiectasia syndrome (AT). Also called: LOUIS-BAR SYNDROME; Cerebello-oculocutaneous telangiectasia; Immunodeficiency with ataxia telangiectasia; Ataxia-telangiectasia, complementation group D; AT, COMPLEMENTATION GROUP C; Ataxia-telangiectasia, complementation group E. Identifiers: Orphanet 100, MedGen C0004135, MONDO:0008840, OMIM 208900.
ATM-related cancer predisposition. Also called: ATM-related cancer susceptibility. Identifiers: MedGen CN377759, MONDO:0700270.

Allele frequency attached by ClinVar (database versions not stated): gnomAD exomes below 0.00001; ExAC 0.00001.

Submissions (2):

Labcorp Genetics (formerly Invitae), Labcorp
Classification: Uncertain significance for Ataxia-telangiectasia syndrome. Last evaluated: 2023-09-19. Review status: criteria provided, single submitter. Criteria: Invitae Variant Classification Sherloc (09022015). Collection method: clinical testing. Allele origin: germline.
Comment: In summary, the available evidence is currently insufficient to determine the role of this variant in disease. Therefore, it has been classified as a Variant of Uncertain Significance. Algorithms developed to predict the effect of missense changes on protein structure and function output the following: SIFT: "Not Available"; PolyPhen-2: "Benign"; Align-GVGD: "Not Available". The glutamic acid amino acid residue is found in multiple mammalian species, which suggests that this missense change does not adversely affect protein function. This variant has not been reported in the literature in individuals affected with ATM-related conditions. This variant is present in population databases (rs779328045, gnomAD 0.0009%). This sequence change replaces lysine, which is basic and polar, with glutamic acid, which is acidic and polar, at codon 1698 of the ATM protein (p.Lys1698Glu).

Department of Pathology and Laboratory Medicine, Sinai Health System
Classification: Uncertain significance for ATM-related cancer predisposition. Last evaluated: 2020-01-29. Review status: criteria provided, single submitter. Criteria: ACMG Guidelines, 2015. Collection method: clinical testing. Allele origin: germline. Affected: no.

NM_000051.4(ATM):c.5092A>G (p.Lys1698Glu)

Gene: ATM (ATM serine/threonine kinase; plus strand). Cytogenetic location: 11q22.3.
Variant type: single nucleotide variant.
Coding change: c.5092A>G on transcript NM_000051.4 (MANE Select); coding-DNA position 5092, A replaced by G.
Protein change: p.Lys1698Glu; replaces lysine 1698 with glutamic acid.
Molecular consequence: missense variant.
Genome position (GRCh38, 1-based): chr11:108,299,800, A>G. VCF-style: chr11-108299800-A-G. GRCh37 (hg19) VCF-style: chr11-108170527-A-G.
Other names: c.5092A>G, p.Lys1698Glu (NM_001351834.2); short protein forms K1698E.
Identifiers: ClinVar variation 2828286 (VCV002828286.4), dbSNP rs779328045, ClinGen allele CA6265630.